The following is an entry in ClinVar:

ClinVar aggregate classification (germline): Conflicting classifications of pathogenicity. Review status: criteria provided, conflicting classifications (1 of 4 stars). 2 submissions from 2 submitters: Pathogenic (1); Uncertain significance (1). Last evaluated 2023-02-18.

Conditions:
Idiopathic generalized epilepsy. Also called: Generalised epilepsy; EIG. Identifiers: MedGen C0270850, MONDO:0005579, OMIM 600669.
Epilepsy, childhood absence 4 (ECA4). Also called: EPILEPSY, CHILDHOOD ABSENCE, SUSCEPTIBILITY TO, 4. Identifiers: Orphanet 307, MedGen C1970160.
Epilepsy, idiopathic generalized, susceptibility to, 13. Also called: EPILEPSY, JUVENILE MYOCLONIC, SUSCEPTIBILITY TO, 5. Identifiers: Orphanet 307, Orphanet 64280, MedGen C4013473, MONDO:0012627, OMIM 611136.

Submissions (2):

Uskudar University, Department of Molecular Biology and Genetics, Uskudar University
Classification: Pathogenic for Epilepsy, childhood absence 4; Epilepsy, idiopathic generalized, susceptibility to, 13; Idiopathic generalized epilepsy. Last evaluated: 2023-02-18. Review status: criteria provided, single submitter. Criteria: ACMG Guidelines, 2015. Collection method: research. Allele origin: germline.

Labcorp Genetics (formerly Invitae), Labcorp
Classification: Uncertain significance for Epilepsy, childhood absence 4; Epilepsy, idiopathic generalized, susceptibility to, 13; Idiopathic generalized epilepsy. Last evaluated: 2021-01-02. Review status: criteria provided, single submitter. Criteria: Invitae Variant Classification Sherloc (09022015). Collection method: clinical testing. Allele origin: germline.
Comment: In summary, the available evidence is currently insufficient to determine the role of this variant in disease. Therefore, it has been classified as a Variant of Uncertain Significance. Algorithms developed to predict the effect of missense changes on protein structure and function are either unavailable or do not agree on the potential impact of this missense change (SIFT: "Deleterious"; PolyPhen-2: "Benign"; Align-GVGD: "Class C65"). This variant has not been reported in the literature in individuals with GABRA1-related conditions. This variant is not present in population databases (ExAC no frequency). This sequence change replaces valine with glycine at codon 270 of the GABRA1 protein (p.Val270Gly). The valine residue is highly conserved and there is a moderate physicochemical difference between valine and glycine.

Literature cited by the submitters: PubMed 37809401 (cited by Uskudar University, Department of Molecular Biology and Genetics, Uskudar University).

NM_001127644.2(GABRA1):c.809T>G (p.Val270Gly)

Gene: GABRA1 (gamma-aminobutyric acid type A receptor subunit alpha1; plus strand). Cytogenetic location: 5q34.
Variant type: single nucleotide variant.
Coding change: c.809T>G on transcript NM_001127644.2 (MANE Select); coding-DNA position 809, T replaced by G.
Protein change: p.Val270Gly; replaces valine 270 with glycine.
Molecular consequence: missense variant.
Genome position (GRCh38, 1-based): chr5:161,891,003, T>G. VCF-style: chr5-161891003-T-G. GRCh37 (hg19) VCF-style: chr5-161318009-T-G.
Other names: c.809T>G, p.Val270Gly (NM_000806.5, NM_001127643.2, NM_001127645.2 and 1 more transcripts); short protein forms V270G.
Identifiers: ClinVar variation 1514122 (VCV001514122.8), dbSNP rs1755063375, ClinGen allele CA362179949.